The following is an entry in ClinVar:

NM_014444.5(TUBGCP4):c.1065G>C (p.Lys355Asn)

Gene: TUBGCP4 (tubulin gamma complex component 4; plus strand). Cytogenetic location: 15q15.3.
Variant type: single nucleotide variant.
Coding change: c.1065G>C on transcript NM_014444.5 (MANE Select); coding-DNA position 1065, G replaced by C.
Protein change: p.Lys355Asn; replaces lysine 355 with asparagine.
Molecular consequence: missense variant.
Genome position (GRCh38, 1-based): chr15:43,395,157, G>C. VCF-style: chr15-43395157-G-C. GRCh37 (hg19) VCF-style: chr15-43687355-G-C.
Other names: c.1065G>C, p.Lys355Asn (NM_001286414.3); short protein forms K355N.
Identifiers: ClinVar variation 1407528 (VCV001407528.6), dbSNP rs765611079, ClinGen allele CA7523978.

ClinVar aggregate classification (germline): Uncertain significance (1 of 4 stars; one submission).

Allele frequency attached by ClinVar (database versions not stated): gnomAD exomes below 0.00001; ExAC 0.00001; TOPMed 0.00001.
gnomAD v4.1: 3 of 1,614,130 alleles (0.00019%); highest among the groups gnomAD compares: Admixed American, 0.0017%; no homozygotes.

Submission:

Labcorp Genetics (formerly Invitae), Labcorp
Classification: Uncertain significance. Last evaluated: 2023-07-17. Review status: criteria provided, single submitter. Criteria: Invitae Variant Classification Sherloc (09022015). Collection method: clinical testing. Allele origin: germline.
Comment: In summary, the available evidence is currently insufficient to determine the role of this variant in disease. Therefore, it has been classified as a Variant of Uncertain Significance. Variants that disrupt the consensus splice site are a relatively common cause of aberrant splicing (PMID: 17576681, 9536098). Algorithms developed to predict the effect of sequence changes on RNA splicing suggest that this variant may disrupt the consensus splice site. An algorithm developed to predict the effect of missense changes on protein structure and function (PolyPhen-2) suggests that this variant is likely to be tolerated. ClinVar contains an entry for this variant (Variation ID: 1407528). This variant has not been reported in the literature in individuals affected with TUBGCP4-related conditions. This variant is present in population databases (rs765611079, gnomAD 0.0009%). This sequence change affects codon 355 of the TUBGCP4 mRNA. It is a 'silent' change, meaning that it does not change the encoded amino acid sequence of the TUBGCP4 protein. This variant also falls at the last nucleotide of exon 10, which is part of the consensus splice site for this exon.

Literature cited by the submitters: PubMed 17576681; PubMed 9536098.